The following is an entry in ClinVar:

ClinVar aggregate classification (germline): Uncertain significance (1 of 4 stars; one submission).

Submission:

CeGaT Center for Human Genetics Tuebingen
Classification: Uncertain significance. Last evaluated: 2024-10-01. Review status: criteria provided, single submitter. Criteria: CeGaT Center For Human Genetics Tuebingen Variant Classification Criteria Version 2. Collection method: clinical testing. Allele origin: germline. Affected: yes. Observed: 1 variant allele.
Comment: CHRNA1: PM2

NM_000079.4(CHRNA1):c.917T>G (p.Ile306Ser)

Gene: CHRNA1 (cholinergic receptor nicotinic alpha 1 subunit; minus strand). Cytogenetic location: 2q31.1.
Variant type: single nucleotide variant.
Coding change: c.917T>G on transcript NM_000079.4 (MANE Select); coding-DNA position 917, T replaced by G.
Protein change: p.Ile306Ser; replaces isoleucine 306 with serine.
Molecular consequence: missense variant.
Genome position (GRCh38, 1-based): chr2:174,750,031, A>C on the plus strand (T>G on the coding strand, the complement: CHRNA1 is on the minus strand). VCF-style: chr2-174750031-A-C. GRCh37 (hg19) VCF-style: chr2-175614759-A-C.
Other names: c.992T>G, p.Ile331Ser (NM_001039523.3); short protein forms I306S, I331S.
Identifiers: ClinVar variation 3389984 (VCV003389984.14).